The following is an entry in ClinVar:

ClinVar aggregate classification (germline): Uncertain significance. Review status: criteria provided, multiple submitters, no conflicts (2 of 4 stars). 4 submissions from 4 submitters: Uncertain significance (4). Last evaluated 2025-09-03.

Conditions:
Hereditary cancer-predisposing syndrome. Also called: Tumor predisposition; Hereditary neoplastic syndrome; Neoplastic Syndromes, Hereditary; Hereditary Cancer Syndrome. Identifiers: Orphanet 140162, MedGen C0027672, MeSH D009386, MONDO:0015356.
Gastrointestinal stromal tumor. Also called: Gastrointestinal stroma tumor; Gastrointestinal stromal tumor, somatic. Identifiers: Orphanet 44890, MedGen C0238198, MeSH D046152, MONDO:0011719, OMIM 606764, HP:0100723.

Allele frequency attached by ClinVar (database versions not stated): gnomAD exomes below 0.00001; gnomAD 0.00001; TOPMed 0.00001.
gnomAD v4.1: 7 of 1,613,746 alleles (0.00043%); highest among the groups gnomAD compares: Non-Finnish European, 0.00059%; no homozygotes.

Submissions (4):

Labcorp Genetics (formerly Invitae), Labcorp
Classification: Uncertain significance for Gastrointestinal stromal tumor. Last evaluated: 2025-09-03. Review status: criteria provided, single submitter. Criteria: Invitae Variant Classification Sherloc (09022015). Collection method: clinical testing. Allele origin: germline.
Comment: This sequence change replaces alanine, which is neutral and non-polar, with threonine, which is neutral and polar, at codon 897 of the KIT protein (p.Ala897Thr). This variant is present in population databases (no rsID available, gnomAD 0.007%). This variant has not been reported in the literature in individuals affected with KIT-related conditions. ClinVar contains an entry for this variant (Variation ID: 458927). An algorithm developed to predict the effect of missense changes on protein structure and function (PolyPhen-2) suggests that this variant is likely to be tolerated. In summary, the available evidence is currently insufficient to determine the role of this variant in disease. Therefore, it has been classified as a Variant of Uncertain Significance.

Ambry Genetics
Classification: Uncertain significance for Hereditary cancer-predisposing syndrome. Last evaluated: 2025-04-18. Review status: criteria provided, single submitter. Criteria: Ambry Variant Classification Scheme 2023. Collection method: clinical testing. Allele origin: germline.
Comment: The p.A897T variant (also known as c.2689G>A), located in coding exon 19 of the KIT gene, results from a G to A substitution at nucleotide position 2689. The alanine at codon 897 is replaced by threonine, an amino acid with similar properties. This amino acid position is conserved. In addition, this alteration is predicted to be tolerated by in silico analysis. Since supporting evidence is limited at this time, the clinical significance of this alteration remains unclear.

Baylor Genetics
Classification: Uncertain significance for Gastrointestinal stromal tumor. Last evaluated: 2023-06-16. Review status: criteria provided, single submitter. Criteria: ACMG Guidelines, 2015. Collection method: clinical testing. Allele origin: unknown.

GeneDx
Classification: Uncertain significance. Last evaluated: 2023-05-16. Review status: criteria provided, single submitter. Criteria: GeneDx Variant Classification Process June 2021. Collection method: clinical testing. Allele origin: germline. Affected: yes.
Comment: Not observed at significant frequency in large population cohorts (gnomAD); In silico analysis supports that this missense variant does not alter protein structure/function; Has not been previously published as pathogenic or benign to our knowledge

NM_000222.3(KIT):c.2689G>A (p.Ala897Thr)

Gene: KIT (KIT proto-oncogene, receptor tyrosine kinase; plus strand). Cytogenetic location: 4q12.
Variant type: single nucleotide variant.
Coding change: c.2689G>A on transcript NM_000222.3 (MANE Select); coding-DNA position 2689, G replaced by A.
Protein change: p.Ala897Thr; replaces alanine 897 with threonine.
Molecular consequence: missense variant.
Genome position (GRCh38, 1-based): chr4:54,736,813, G>A. VCF-style: chr4-54736813-G-A. GRCh37 (hg19) VCF-style: chr4-55602979-G-A.
Other names: c.2677G>A, p.Ala893Thr (NM_001093772.2, NM_001385292.1); c.2692G>A, p.Ala898Thr (NM_001385284.1); c.2686G>A, p.Ala896Thr (NM_001385285.1); c.2674G>A, p.Ala892Thr (NM_001385286.1); c.2680G>A, p.Ala894Thr (NM_001385288.1); c.2689G>A, p.Ala897Thr (NM_001385290.1); short protein forms A897T, A893T, A892T, A894T, A896T, A898T.
Identifiers: ClinVar variation 458927 (VCV000458927.16), dbSNP rs1250080954, ClinGen allele CA356914071.